The following is an entry in ClinVar:

NM_015164.4(PLEKHM2):c.346A>G (p.Asn116Asp)

Gene: PLEKHM2 (pleckstrin homology and RUN domain containing M2; plus strand). Cytogenetic location: 1p36.21.
Variant type: single nucleotide variant.
Coding change: c.346A>G on transcript NM_015164.4 (MANE Select); coding-DNA position 346, A replaced by G.
Protein change: p.Asn116Asp; replaces asparagine 116 with aspartic acid.
Molecular consequence: missense variant.
Genome position (GRCh38, 1-based): chr1:15,717,961, A>G. VCF-style: chr1-15717961-A-G. GRCh37 (hg19) VCF-style: chr1-16044456-A-G.
Other names: short protein forms N116D.
Identifiers: ClinVar variation 1419293 (VCV001419293.8), dbSNP rs2148358906, ClinGen allele CA338579312.

ClinVar aggregate classification (germline): Uncertain significance (1 of 4 stars; one submission).

Submission:

Labcorp Genetics (formerly Invitae), Labcorp
Classification: Uncertain significance. Last evaluated: 2022-08-09. Review status: criteria provided, single submitter. Criteria: Invitae Variant Classification Sherloc (09022015). Collection method: clinical testing. Allele origin: germline.
Comment: In summary, the available evidence is currently insufficient to determine the role of this variant in disease. Therefore, it has been classified as a Variant of Uncertain Significance. Algorithms developed to predict the effect of missense changes on protein structure and function (SIFT, PolyPhen-2, Align-GVGD) all suggest that this variant is likely to be tolerated. ClinVar contains an entry for this variant (Variation ID: 1419293). This variant has not been reported in the literature in individuals affected with PLEKHM2-related conditions. This variant is not present in population databases (gnomAD no frequency). This sequence change replaces asparagine, which is neutral and polar, with aspartic acid, which is acidic and polar, at codon 116 of the PLEKHM2 protein (p.Asn116Asp).